The following is an entry in ClinVar:

ClinVar aggregate classification (germline): Conflicting classifications of pathogenicity. Review status: criteria provided, conflicting classifications (1 of 4 stars). 28 submissions from 24 submitters: Uncertain significance (4); Benign (12); Likely benign (5). 7 of the submissions do not count toward it. Last evaluated 2026-09-01.

Conditions:
Dilated cardiomyopathy 1G (CMD1G). Identifiers: Orphanet 154, MedGen C1858763, MONDO:0011400, OMIM 604145.
Autosomal recessive limb-girdle muscular dystrophy type 2J (LGMDR10). Also called: MUSCULAR DYSTROPHY, LIMB-GIRDLE, AUTOSOMAL RECESSIVE 10; Limb-girdle muscular dystrophy, type 2J. Identifiers: Orphanet 140922, MedGen C1837342, MONDO:0012127, OMIM 608807.
Cardiovascular phenotype. Identifiers: MedGen CN230736.
TTN-related disorder. Also called: TTN-related disorders; TTN-related condition; TTN-related disease.
Cardiomyopathy (CMYO). Also called: Cardiomyopathies. Identifiers: Orphanet 167848, MedGen C0878544, MONDO:0004994, HP:0001638. Inheritance: Various modes of inheritance.
Early-onset myopathy with fatal cardiomyopathy (CMYO5). Also called: CONGENITAL MYOPATHY 5 WITH CARDIOMYOPATHY; Salih Myopathy. Identifiers: Orphanet 289377, MedGen C2673677, MONDO:0012714, OMIM 611705. Disease mechanism: loss of function.
Myopathy, myofibrillar, 9, with early respiratory failure (MFM9). Also called: Myopathy, distal, with early respiratory failure, autosomal dominant; Hereditary myopathy with early respiratory failure; MYOPATHY, PROXIMAL, WITH EARLY RESPIRATORY MUSCLE INVOLVEMENT; EDSTROM MYOPATHY. Identifiers: Orphanet 178464, Orphanet 34521, MedGen C1863599, MONDO:0011362, OMIM 603689.
Tibial muscular dystrophy (TMD). Also called: Udd Distal Myopathy – Tibial Muscular Dystrophy; Tibial muscular dystrophy, tardive; UDD MYOPATHY. Identifiers: Orphanet 609, MedGen C1838244, MONDO:0010870, OMIM 600334.

Allele frequency attached by ClinVar (database versions not stated): TOPMed 0.00427; gnomAD 0.00503 and 0.00512; gnomAD exomes 0.00511 and 0.00688; ESP Exome Variant Server 0.00610; 1000 Genomes Project 30x 0.00219; 1000 Genomes Project 0.00220; ExAC 0.00465.
gnomAD v4.1: 10,734 of 1,611,922 alleles (0.67%); highest among the groups gnomAD compares: Non-Finnish European, 0.8%; 44 homozygotes.

Submissions 1 to 18 of 28:

CeGaT Center for Human Genetics Tuebingen
Classification: Likely benign. Last evaluated: 2026-09-01. Review status: criteria provided, single submitter. Criteria: CeGaT Center For Human Genetics Tuebingen Variant Classification Criteria Version 2. Collection method: clinical testing. Allele origin: germline. Affected: yes. Observed: 84 variant alleles.
Comment: TTN: BS2

Labcorp Genetics (formerly Invitae), Labcorp
Classification: Benign for Dilated cardiomyopathy 1G; Autosomal recessive limb-girdle muscular dystrophy type 2J. Last evaluated: 2026-02-03. Review status: criteria provided, single submitter. Criteria: Invitae Variant Classification Sherloc (09022015). Collection method: clinical testing. Allele origin: germline.

ARUP Laboratories, Molecular Genetics and Genomics, ARUP Laboratories
Classification: Likely benign. Last evaluated: 2025-04-21. Review status: criteria provided, single submitter. Criteria: ARUP Molecular Germline Variant Investigation Process 2024. Collection method: clinical testing. Allele origin: germline.

Molecular Diagnostic Laboratory for Inherited Cardiovascular Disease, Montreal Heart Institute
Classification: Likely benign. Last evaluated: 2025-04-09. Review status: criteria provided, single submitter. Criteria: ACMG Guidelines, 2015. Collection method: clinical testing. Allele origin: germline. Affected: no.
Comment: BS1;BP1

Blueprint Genetics
Classification: Likely benign. Last evaluated: 2024-11-26. Review status: criteria provided, single submitter. Criteria: ACMG Guidelines, 2015. Collection method: clinical testing. Allele origin: germline.

Athena Diagnostics
Classification: Benign. Last evaluated: 2024-05-17. Review status: criteria provided, single submitter. Criteria: Athena Diagnostics Criteria. Collection method: clinical testing. Allele origin: unknown.

Mayo Clinic Laboratories, Mayo Clinic
Classification: Benign. Last evaluated: 2023-08-08. Review status: criteria provided, single submitter. Criteria: ACMG Guidelines, 2015. Collection method: clinical testing. Allele origin: germline. Observed: 24 variant alleles.
Comment: BS1, BS2, BP4

Women's Health and Genetics/Laboratory Corporation of America, LabCorp
Classification: Benign. Last evaluated: 2019-10-08. Review status: criteria provided, single submitter. Criteria: LabCorp Variant Classification Summary - May 2015. Collection method: clinical testing. Allele origin: germline.
Comment: Variant summary: TTN c.37704G>T (p.Lys12568Asn) results in a non-conservative amino acid change located in the I-band of the encoded protein sequence. Four of five in-silico tools predict a damaging effect of the variant on protein function. The variant allele was found at a frequency of 0.0051 in 246454 control chromosomes, predominantly at a frequency of 0.0078 within the Non-Finnish European subpopulation in the gnomAD database, including 4 homozygotes. The observed variant frequency within Non-Finnish European control individuals in the gnomAD database is approximately 12-folds over the estimated maximal expected allele frequency for a pathogenic variant in TTN causing Cardiomyopathy phenotype (0.00063), strongly suggesting that the variant is a benign polymorphism found primarily in populations of Non-Finnish European origin. Seven ClinVar submissions (evaluation after 2014) cite the variant as likely benign/benign. Based on the evidence outlined above, the variant was classified as benign.

CHEO Genetics Diagnostic Laboratory, Children's Hospital of Eastern Ontario
Classification: Benign for Cardiomyopathy. Last evaluated: 2019-03-18. Review status: criteria provided, single submitter. Criteria: ACMG Guidelines, 2015. Collection method: clinical testing. Allele origin: germline.

Center for Advanced Laboratory Medicine, UC San Diego Health, University of California San Diego
Classification: Benign for Cardiomyopathy. Last evaluated: 2019-02-05. Review status: criteria provided, single submitter. Criteria: ACMG Guidelines, 2015. Collection method: clinical testing. Allele origin: germline. Affected: yes. Observed: 4 variant alleles.

Illumina Laboratory Services, Illumina
Classification: Benign for Tibial muscular dystrophy. Last evaluated: 2018-01-13. Review status: criteria provided, single submitter. Criteria: ICSL Variant Classification Criteria 13 December 2019. Collection method: clinical testing. Allele origin: germline.
Comment: This variant was observed in the ICSL laboratory as part of a predisposition screen in an ostensibly healthy population. It had not been previously curated by ICSL or reported in the Human Gene Mutation Database (HGMD: prior to June 1st, 2018), and was therefore a candidate for classification through an automated scoring system. Utilizing variant allele frequency, disease prevalence and penetrance estimates, and inheritance mode, an automated score was calculated to assess if this variant is too frequent to cause the disease. Based on the score and internal cut-off values, a variant classified as benign is not then subjected to further curation. The score for this variant resulted in a classification of benign for this disease.

Illumina Laboratory Services, Illumina
Classification: Uncertain significance for Early-onset myopathy with fatal cardiomyopathy. Last evaluated: 2018-01-13. Review status: criteria provided, single submitter. Criteria: ICSL Variant Classification Criteria 13 December 2019. Collection method: clinical testing. Allele origin: germline.

Illumina Laboratory Services, Illumina
Classification: Uncertain significance for Dilated cardiomyopathy 1G. Last evaluated: 2018-01-13. Review status: criteria provided, single submitter. Criteria: ICSL Variant Classification Criteria 13 December 2019. Collection method: clinical testing. Allele origin: germline.

Illumina Laboratory Services, Illumina
Classification: Uncertain significance for Autosomal recessive limb-girdle muscular dystrophy type 2J. Last evaluated: 2018-01-13. Review status: criteria provided, single submitter. Criteria: ICSL Variant Classification Criteria 13 December 2019. Collection method: clinical testing. Allele origin: germline.

Illumina Laboratory Services, Illumina
Classification: Benign for Myopathy, myofibrillar, 9, with early respiratory failure. Last evaluated: 2018-01-13. Review status: criteria provided, single submitter. Criteria: ICSL Variant Classification Criteria 13 December 2019. Collection method: clinical testing. Allele origin: germline.
Comment: the same text as in the submission from Illumina Laboratory Services, Illumina above.

GeneDx
Classification: Benign. Last evaluated: 2016-11-04. Review status: criteria provided, single submitter. Criteria: GeneDx Variant Classification (06012015). Collection method: clinical testing. Allele origin: germline. Affected: yes.
Comment: This variant is considered likely benign or benign based on one or more of the following criteria: it is a conservative change, it occurs at a poorly conserved position in the protein, it is predicted to be benign by multiple in silico algorithms, and/or has population frequency not consistent with disease.

Ambry Genetics
Classification: Benign for Cardiovascular phenotype. Last evaluated: 2015-10-22. Review status: criteria provided, single submitter. Criteria: Ambry Autosomal Dominant and X-Linked criteria (10/2015). Collection method: clinical testing. Allele origin: germline. Observed: 1 variant allele.

Eurofins Ntd Llc (ga)
Classification: Benign. Last evaluated: 2015-07-20. Review status: criteria provided, single submitter. Criteria: EGL Classification Definitions 2015. Collection method: clinical testing. Allele origin: germline. Observed: 1 variant allele, 1 heterozygote.

NM_001267550.2(TTN):c.45408G>T (p.Lys15136Asn)

Genes: TTN (titin; minus strand), LOC126806427 (BRD4-independent group 4 enhancer GRCh37_chr2:179485777-179486976; plus strand). Cytogenetic location: 2q31.2.
Variant type: single nucleotide variant.
Coding change: c.45408G>T on transcript NM_001267550.2 (MANE Select); coding-DNA position 45408, G replaced by T.
Protein change: p.Lys15136Asn; replaces lysine 15136 with asparagine.
Molecular consequence: missense variant.
Genome position (GRCh38, 1-based): chr2:178,621,310, C>A on the plus strand (G>T on the coding strand, the complement: TTN is on the minus strand). VCF-style: chr2-178621310-C-A. GRCh37 (hg19) VCF-style: chr2-179486037-C-A.
Other names: p.K12568N:AAG>AAT; p.Lys13495Asn; c.40485G>T, p.Lys13495Asn (NM_001256850.1); c.18213G>T, p.Lys6071Asn (NM_003319.4); c.37704G>T, p.Lys12568Asn (NM_133378.4); c.18588G>T, p.Lys6196Asn (NM_133432.3); c.18789G>T, p.Lys6263Asn (NM_133437.4); short protein forms K15136N, K12568N, K6263N, K13495N, K6196N, K6071N.
Identifiers: ClinVar variation 46988 (VCV000046988.88), dbSNP rs72677225, ClinGen allele CA289089.
Genomic context (GRCh38, chr2:178,621,310, plus strand): 5'-ATCATCCCTCTTCCACTGGACTGGAAAGCTTTCTTTTGATATAGAGCAGACAAATTCAGC[C>A]TTTTCTCCTTCAAGTATTTCAAGGTTTTGAGGCTTTGAGATAAATTCAGCAGCCAGTTCT-3'
Protein context (NP_001254479.2, residues 15126-15146): PQNLEILEGE[Lys15136Asn]AEFVCSISKE